The following is an entry in ClinVar:

ClinVar aggregate classification (germline): Benign/Likely benign. Review status: criteria provided, multiple submitters, no conflicts (2 of 4 stars). 11 submissions from 11 submitters: Benign (4); Likely benign (4). 3 of the submissions do not count toward it. Last evaluated 2026-01-26.

Conditions:
GALC-related disorder. Also called: GALC-related condition.
Galactosylceramide beta-galactosidase deficiency. Also called: GALACTOCEREBROSIDASE DEFICIENCY; GALC DEFICIENCY; GLOBOID CELL LEUKOENCEPHALOPATHY; Krabbe Disease; Leukodystrophy, Globoid Cell. Identifiers: Orphanet 487, MedGen C0023521, MONDO:0009499, OMIM 245200.

Allele frequency attached by ClinVar (database versions not stated): gnomAD exomes 0.00082; ExAC 0.00109; gnomAD 0.00345 and 0.00368; TOPMed 0.00396; 1000 Genomes Project 0.00399; 1000 Genomes Project 30x 0.00422; ESP Exome Variant Server 0.00463.
gnomAD v4.1: 957 of 1,613,388 alleles (0.059%); highest among the groups gnomAD compares: African/African-American, 1.1%; 9 homozygotes.

Submissions (11):

Labcorp Genetics (formerly Invitae), Labcorp
Classification: Benign for Galactosylceramide beta-galactosidase deficiency. Last evaluated: 2026-01-26. Review status: criteria provided, single submitter. Criteria: Invitae Variant Classification Sherloc (09022015). Collection method: clinical testing. Allele origin: germline.

Blueprint Genetics
Classification: Likely benign. Last evaluated: 2024-09-03. Review status: criteria provided, single submitter. Criteria: ACMG Guidelines, 2015. Collection method: clinical testing. Allele origin: germline.

Women's Health and Genetics/Laboratory Corporation of America, LabCorp
Classification: Likely benign. Last evaluated: 2024-01-12. Review status: criteria provided, single submitter. Criteria: LabCorp Variant Classification Summary - May 2015. Collection method: clinical testing. Allele origin: germline.
Comment: Variant summary: GALC c.1006G>A (p.Val336Met) results in a conservative amino acid change located in the Glycosyl hydrolase family 59, catalytic domain of the encoded protein sequence. Three of five in-silico tools predict a benign effect of the variant on protein function. The variant allele was found at a frequency of 0.00082 in 249038 control chromosomes, predominantly at a frequency of 0.012 within the African or African-American subpopulation in the gnomAD database, including 1 homozygote. The observed variant frequency within African or African-American control individuals in the gnomAD database is approximately 5.4 fold of the estimated maximal expected allele frequency for a pathogenic variant in GALC causing Krabbe Disease phenotype (0.0022), strongly suggesting that the variant is a benign polymorphism found primarily in populations of African or African-American origin. c.1006G>A has been reported in the literature as a polymorphism detected during newborn screening in infants with low GALC activity referred for diagnostic testing (e.g. Orsini_2016). These report(s) do not provide unequivocal conclusions about association of the variant with Krabbe Disease. At least one publication reports experimental evidence evaluating an impact on protein function. The variant shows GALC enzyme activity equivalent to WT in vitro, suggesting the variant has no damaging effect (e.g. Saavedra-Matiz_2016). The following publications have been ascertained in the context of this evaluation (PMID: 26795590, 27638593). ClinVar contains an entry for this variant (Variation ID: 314752). Based on the evidence outlined above, the variant was classified as likely benign.

CeGaT Center for Human Genetics Tuebingen
Classification: Benign. Last evaluated: 2023-11-01. Review status: criteria provided, single submitter. Criteria: CeGaT Center For Human Genetics Tuebingen Variant Classification Criteria Version 2. Collection method: clinical testing. Allele origin: germline. Affected: yes. Observed: 1 variant allele.
Comment: GALC: BS1, BS2

GeneDx
Classification: Benign. Last evaluated: 2021-06-24. Review status: criteria provided, single submitter. Criteria: GeneDx Variant Classification Process June 2021. Collection method: clinical testing. Allele origin: germline. Affected: yes.
Comment: This variant is associated with the following publications: (PMID: 27638593)

Illumina Laboratory Services, Illumina
Classification: Likely benign for Galactosylceramide beta-galactosidase deficiency. Last evaluated: 2018-01-13. Review status: criteria provided, single submitter. Criteria: ICSL Variant Classification Criteria 13 December 2019. Collection method: clinical testing. Allele origin: germline.
Comment: This variant was observed in the ICSL laboratory as part of a predisposition screen in an ostensibly healthy population. It had not been previously curated by ICSL or reported in the Human Gene Mutation Database (HGMD: prior to June 1st, 2018), and was therefore a candidate for classification through an automated scoring system. Utilizing variant allele frequency, disease prevalence and penetrance estimates, and inheritance mode, an automated score was calculated to assess if this variant is too frequent to cause the disease. Based on the score and internal cut-off values, a variant classified as likely benign is not then subjected to further curation. The score for this variant resulted in a classification of likely benign for this disease.

Mayo Clinic Laboratories, Mayo Clinic
Classification: Benign. Last evaluated: 2016-05-27. Review status: criteria provided, single submitter. Criteria: ACMG Guidelines, 2015. Collection method: clinical testing. Allele origin: germline. Observed: 3 variant alleles.

Breakthrough Genomics
Classification: Likely benign. Review status: criteria provided, single submitter. Criteria: ACMG Guidelines, 2015. Collection method: not provided. Allele origin: germline. Inheritance: Autosomal recessive inheritance. Affected: yes.

PreventionGenetics, part of Exact Sciences
Classification: Likely benign for GALC-related condition. Last evaluated: 2022-05-25. Review status: no assertion criteria provided. Collection method: clinical testing. Allele origin: germline. Not counted in ClinVar's aggregate classification.
Comment: This variant is classified as likely benign based on ACMG/AMP sequence variant interpretation guidelines (Richards et al. 2015 PMID: 25741868, with internal and published modifications).

Natera, Inc.
Classification: Likely benign for Galactosylceramide beta-galactosidase deficiency. Last evaluated: 2020-04-03. Review status: no assertion criteria provided. Collection method: clinical testing. Allele origin: germline. Not counted in ClinVar's aggregate classification.

Counsyl
Classification: Likely benign for Galactosylceramide beta-galactosidase deficiency. Last evaluated: 2017-09-29. Review status: no assertion criteria provided. Collection method: clinical testing. Allele origin: unknown. Not counted in ClinVar's aggregate classification.

Literature cited by the submitters: PubMed 26795590 (cited by Women's Health and Genetics/Laboratory Corporation of America, LabCorp and Counsyl); PubMed 27638593 (cited by Women's Health and Genetics/Laboratory Corporation of America, LabCorp and Counsyl).

NM_000153.4(GALC):c.1006G>A (p.Val336Met)

Gene: GALC (galactosylceramidase; minus strand). Cytogenetic location: 14q31.3.
Variant type: single nucleotide variant.
Coding change: c.1006G>A on transcript NM_000153.4 (MANE Select); coding-DNA position 1006, G replaced by A.
Protein change: p.Val336Met; replaces valine 336 with methionine.
Molecular consequence: missense variant.
Genome position (GRCh38, 1-based): chr14:87,965,532, C>T on the plus strand (G>A on the coding strand, the complement: GALC is on the minus strand). VCF-style: chr14-87965532-C-T. GRCh37 (hg19) VCF-style: chr14-88431876-C-T.
Other names: p.Val336Met; c.937G>A, p.Val313Met (NM_001201401.2); c.928G>A, p.Val310Met (NM_001201402.2); short protein forms V336M, V310M, V313M.
Identifiers: ClinVar variation 314752 (VCV000314752.53), dbSNP rs185073540, ClinGen allele CA7297182.